The following is an entry in ClinVar:

NM_000069.3(CACNA1S):c.1858A>G (p.Met620Val)

Gene: CACNA1S (calcium voltage-gated channel subunit alpha1 S; minus strand). Cytogenetic location: 1q32.1.
Variant type: single nucleotide variant.
Coding change: c.1858A>G on transcript NM_000069.3 (MANE Select); coding-DNA position 1858, A replaced by G.
Protein change: p.Met620Val; replaces methionine 620 with valine.
Molecular consequence: missense variant.
Genome position (GRCh38, 1-based): chr1:201,075,585, T>C on the plus strand (A>G on the coding strand, the complement: CACNA1S is on the minus strand). VCF-style: chr1-201075585-T-C. GRCh37 (hg19) VCF-style: chr1-201044713-T-C.
Other names: short protein forms M620V.
Identifiers: ClinVar variation 3071856 (VCV003071856.1), dbSNP rs2464559408, ClinGen allele CA344117248.

ClinVar aggregate classification (germline): Uncertain significance (1 of 4 stars; one submission).

Conditions:
Malignant hyperthermia, susceptibility to, 5 (MHS5). Also called: CACNA1S-Related Malignant Hyperthermia Susceptibility. Identifiers: Orphanet 423, MedGen C1866077, MONDO:0011163, OMIM 601887.

Submission:

All of Us Research Program, National Institutes of Health
Classification: Uncertain significance for Malignant hyperthermia, susceptibility to, 5. Last evaluated: 2023-06-26. Review status: criteria provided, single submitter. Criteria: ACMG Guidelines, 2015. Collection method: clinical testing. Allele origin: germline. Inheritance: Autosomal dominant inheritance. Observed: 1 variant allele, 1 heterozygote.
Comment: This missense variant replaces methionine with valine at codon 620 of the CACNA1S protein. Computational prediction suggests that this variant may have deleterious impact on protein structure and function (internally defined REVEL score threshold >= 0.7, PMID: 27666373). To our knowledge, functional studies have not been reported for this variant. This variant has not been reported in individuals affected with CACNA1S-related disorders in the literature. This variant has not been identified in the general population by the Genome Aggregation Database (gnomAD). The available evidence is insufficient to determine the role of this variant in disease conclusively. Therefore, this variant is classified as a Variant of Uncertain Significance.

This study involves interpretation of variants in research participants for the purpose of population health screening. Participant phenotype was not available at the time of variant classification. Additional details can be found in publication PMID: 35346344, PMCID: PMC8962531